The following is an entry in ClinVar:

ClinVar aggregate classification (germline): Likely benign. Review status: criteria provided, multiple submitters, no conflicts (2 of 4 stars). 2 submissions from 2 submitters: Likely benign (2). Last evaluated 2025-12-31.

Conditions:
X-linked myopathy with postural muscle atrophy. Also called: FHL1-Related Emery-Dreifuss Muscular Dystrophy, X-Linked. Identifiers: Orphanet 178461, MedGen C2678055, MONDO:0010401, OMIM 300696.

Allele frequency attached by ClinVar (database versions not stated): gnomAD exomes below 0.00001 and 0.00001; ExAC 0.00001.
gnomAD v4.1: 2 of 1,212,471 alleles (0.00016%); highest among the groups gnomAD compares: Non-Finnish European, 0.00022%; no homozygotes.

Submissions (2):

Labcorp Genetics (formerly Invitae), Labcorp
Classification: Likely benign for X-linked myopathy with postural muscle atrophy. Last evaluated: 2025-12-31. Review status: criteria provided, single submitter. Criteria: Invitae Variant Classification Sherloc (09022015). Collection method: clinical testing. Allele origin: germline.

GeneDx
Classification: Likely benign. Last evaluated: 2017-09-05. Review status: criteria provided, single submitter. Criteria: GeneDx Variant Classification (06012015). Collection method: clinical testing. Allele origin: germline. Affected: yes.
Comment: This variant is considered likely benign or benign based on one or more of the following criteria: it is a conservative change, it occurs at a poorly conserved position in the protein, it is predicted to be benign by multiple in silico algorithms, and/or has population frequency not consistent with disease.

NM_001159699.2(FHL1):c.537G>C (p.Val179=)

Gene: FHL1 (four and a half LIM domains 1; plus strand). Cytogenetic location: Xq26.3.
Variant type: single nucleotide variant.
Coding change: c.537G>C on transcript NM_001159699.2 (MANE Select); coding-DNA position 537, G replaced by C.
Protein change: p.Val179=; no amino-acid change (valine 179 retained).
Molecular consequence: synonymous variant. On other transcripts: non-coding transcript variant (1).
Genome position (GRCh38, 1-based): chrX:136,207,949, G>C. VCF-style: chrX-136207949-G-C. GRCh37 (hg19) VCF-style: chrX-135290108-G-C.
Other names: c.489G>C, p.Val163= (NM_001159700.2, NM_001159702.3, NM_001159703.2 and 9 more transcripts); c.576G>C, p.Val192= (NM_001159701.2); c.537G>C, p.Val179= (NM_001330659.2).
Identifiers: ClinVar variation 511866 (VCV000511866.9), dbSNP rs753535765, ClinGen allele CA10525025.
Genomic context (GRCh38, chrX:136,207,949, plus strand): 5'-TAAAGGGGAGGACTTCTACTGCGTGACTTGCCATGAGACCAAGTTTGCCAAGCATTGCGT[G>C]AAGTGCAACAAGGTATGCTTTCAAGGGAGTTCTGCATTGACCGTTGTTTCTAGAAGTGTT-3'
Protein context (NP_001153171.1, residues 169-189): CHETKFAKHC[Val179=]KCNKAITSGG